The following is an entry in ClinVar:

ClinVar aggregate classification (germline): Pathogenic (1 of 4 stars; one submission).

Submission:

Labcorp Genetics (formerly Invitae), Labcorp
Classification: Pathogenic. Last evaluated: 2023-12-10. Review status: criteria provided, single submitter. Criteria: Invitae Variant Classification Sherloc (09022015). Collection method: clinical testing. Allele origin: germline.
Comment: This sequence change creates a premature translational stop signal (p.Glu1024*) in the OTOF gene. It is expected to result in an absent or disrupted protein product. Loss-of-function variants in OTOF are known to be pathogenic (PMID: 18381613, 19250381, 22575033). This variant is not present in population databases (gnomAD no frequency). This variant has not been reported in the literature in individuals affected with OTOF-related conditions. For these reasons, this variant has been classified as Pathogenic.

Literature cited by the submitters: PubMed 18381613; PubMed 19250381; PubMed 22575033.

NM_194248.3(OTOF):c.3070G>T (p.Glu1024Ter)

Gene: OTOF (otoferlin; minus strand). Cytogenetic location: 2p23.3.
Variant type: single nucleotide variant.
Coding change: c.3070G>T on transcript NM_194248.3 (MANE Select); coding-DNA position 3070, G replaced by T.
Protein change: p.Glu1024Ter; replaces glutamic acid 1024 with a stop codon.
Molecular consequence: nonsense.
Genome position (GRCh38, 1-based): chr2:26,475,415, C>A on the plus strand (G>T on the coding strand, the complement: OTOF is on the minus strand). VCF-style: chr2-26475415-C-A. GRCh37 (hg19) VCF-style: chr2-26698283-C-A.
Other names: c.3070G>T, p.Glu1024Ter (NM_001287489.2); c.829G>T, p.Glu277Ter (NM_004802.4, NM_194323.3); c.1000G>T, p.Glu334Ter (NM_194322.3); short protein forms E277*, E334*, E1024*.
Identifiers: ClinVar variation 2702033 (VCV002702033.3), dbSNP rs2465578845, ClinGen allele CA346110137.